The following is an entry in ClinVar:

ClinVar aggregate classification (germline): Uncertain significance (1 of 4 stars; one submission).

Conditions:
Cardiovascular phenotype. Identifiers: MedGen CN230736.

Allele frequency attached by ClinVar (database versions not stated): gnomAD exomes below 0.00001.
gnomAD v4.1: 2 of 1,609,528 alleles (0.00012%); highest among the groups gnomAD compares: Non-Finnish European, 0.00017%; no homozygotes.

Submission:

Ambry Genetics
Classification: Uncertain significance for Cardiovascular phenotype. Last evaluated: 2021-11-02. Review status: criteria provided, single submitter. Criteria: Ambry Variant Classification Scheme 2023. Collection method: clinical testing. Allele origin: germline.
Comment: The p.K1344R variant (also known as c.4031A>G), located in coding exon 6 of the ALPK3 gene, results from an A to G substitution at nucleotide position 4031. The lysine at codon 1344 is replaced by arginine, an amino acid with highly similar properties. This amino acid position is poorly conserved in available vertebrate species. In addition, this alteration is predicted to be tolerated by in silico analysis. Since supporting evidence is limited at this time, the clinical significance of this alteration remains unclear.

NM_020778.5(ALPK3):c.3425A>G (p.Lys1142Arg)

Gene: ALPK3 (alpha kinase 3; plus strand). Cytogenetic location: 15q25.3.
Variant type: single nucleotide variant.
Coding change: c.3425A>G on transcript NM_020778.5 (MANE Select); coding-DNA position 3425, A replaced by G.
Protein change: p.Lys1142Arg; replaces lysine 1142 with arginine.
Molecular consequence: missense variant.
Genome position (GRCh38, 1-based): chr15:84,858,163, A>G. VCF-style: chr15-84858163-A-G. GRCh37 (hg19) VCF-style: chr15-85401394-A-G.
Other names: short protein forms K1142R.
Identifiers: ClinVar variation 1737210 (VCV001737210.2), dbSNP rs2505722023, ClinGen allele CA393360245.